The following is an entry in ClinVar:

NM_194454.3(KRIT1):c.729+5G>A

Gene: KRIT1 (KRIT1 ankyrin repeat containing; minus strand). Cytogenetic location: 7q21.2.
Variant type: single nucleotide variant.
Coding change: c.729+5G>A on transcript NM_194454.3 (MANE Select); 5 bases into the intron after coding-DNA position 729, G replaced by A.
Molecular consequence: intron variant.
Genome position (GRCh38, 1-based): chr7:92,235,398, C>T on the plus strand (G>A on the coding strand, the complement: KRIT1 is on the minus strand). VCF-style: chr7-92235398-C-T. GRCh37 (hg19) VCF-style: chr7-91864712-C-T.
Other names: c.729+5G>A (NM_001350672.1, NM_001350676.1, NM_001350673.1 and 29 more transcripts); c.15+136G>A (NM_001350671.1).
Identifiers: ClinVar variation 1303142 (VCV001303142.2), dbSNP rs1468613071, ClinGen allele CA576287542.

ClinVar aggregate classification (germline): Uncertain significance (1 of 4 stars; one submission).

gnomAD v4.1: 1 of 1,613,670 alleles (0.000062%); no homozygotes.

Submission:

GeneDx
Classification: Uncertain significance. Last evaluated: 2020-01-21. Review status: criteria provided, single submitter. Criteria: GeneDx Variant Classification Process June 2021. Collection method: clinical testing. Allele origin: germline. Affected: yes.
Comment: In-silico analysis, which includes splice predictors and evolutionary conservation, is inconclusive as to whether the variant alters gene splicing. In the absence of RNA/functional studies, the actual effect of this sequence change is unknown.; Not observed at a significant frequency in large population cohorts (Lek et al., 2016); This variant is associated with the following publications: (PMID: 24689081)